The following is an entry in ClinVar:

ClinVar aggregate classification (germline): Uncertain significance (1 of 4 stars; one submission).

Allele frequency attached by ClinVar (database versions not stated): gnomAD 0.00001; TOPMed 0.00001.
gnomAD v4.1: 2 of 1,614,028 alleles (0.00012%); highest among the groups gnomAD compares: African/African-American, 0.0027%; no homozygotes.

Submission:

Labcorp Genetics (formerly Invitae), Labcorp
Classification: Uncertain significance. Last evaluated: 2024-07-12. Review status: criteria provided, single submitter. Criteria: Invitae Variant Classification Sherloc (09022015). Collection method: clinical testing. Allele origin: germline.
Comment: This sequence change replaces alanine, which is neutral and non-polar, with aspartic acid, which is acidic and polar, at codon 2075 of the CPLANE1 protein (p.Ala2075Asp). This variant is present in population databases (no rsID available, gnomAD 0.01%). This variant has not been reported in the literature in individuals affected with CPLANE1-related conditions. ClinVar contains an entry for this variant (Variation ID: 1492973). Advanced modeling of protein sequence and biophysical properties (such as structural, functional, and spatial information, amino acid conservation, physicochemical variation, residue mobility, and thermodynamic stability) performed at Invitae indicates that this missense variant is not expected to disrupt CPLANE1 protein function with a negative predictive value of 95%. In summary, the available evidence is currently insufficient to determine the role of this variant in disease. Therefore, it has been classified as a Variant of Uncertain Significance.

NM_001384732.1(CPLANE1):c.6224C>A (p.Ala2075Asp)

Gene: CPLANE1 (ciliogenesis and planar polarity effector complex subunit 1; minus strand). Cytogenetic location: 5p13.2.
Variant type: single nucleotide variant.
Coding change: c.6224C>A on transcript NM_001384732.1 (MANE Select); coding-DNA position 6224, C replaced by A.
Protein change: p.Ala2075Asp; replaces alanine 2075 with aspartic acid.
Molecular consequence: missense variant.
Genome position (GRCh38, 1-based): chr5:37,170,279, G>T on the plus strand (C>A on the coding strand, the complement: CPLANE1 is on the minus strand). VCF-style: chr5-37170279-G-T. GRCh37 (hg19) VCF-style: chr5-37170381-G-T.
Other names: c.6224C>A, p.Ala2075Asp (NM_023073.4); short protein forms A2075D.
Identifiers: ClinVar variation 1492973 (VCV001492973.6), dbSNP rs1326109813, ClinGen allele CA359482720.